The following is an entry in ClinVar:

NM_019109.5(ALG1):c.993C>T (p.Arg331=)

Gene: ALG1 (ALG1 chitobiosyldiphosphodolichol beta-mannosyltransferase; plus strand). Cytogenetic location: 16p13.3.
Variant type: single nucleotide variant.
Coding change: c.993C>T on transcript NM_019109.5 (MANE Select); coding-DNA position 993, C replaced by T.
Protein change: p.Arg331=; no amino-acid change (arginine 331 retained).
Molecular consequence: synonymous variant.
Genome position (GRCh38, 1-based): chr16:5,080,977, C>T. VCF-style: chr16-5080977-C-T. GRCh37 (hg19) VCF-style: chr16-5130978-C-T.
Other names: c.660C>T, p.Arg220= (NM_001330504.2).
Identifiers: ClinVar variation 717035 (VCV000717035.15), dbSNP rs561385337, ClinGen allele CA7890164.

ClinVar aggregate classification (germline): Conflicting classifications of pathogenicity. Review status: criteria provided, conflicting classifications (1 of 4 stars). 4 submissions from 4 submitters: Uncertain significance (2); Likely benign (1). 1 of the submissions does not count toward it. Last evaluated 2026-08-06.

Conditions:
ALG1-related disorder. Also called: ALG1-related condition.
ALG1-congenital disorder of glycosylation. Also called: ALG1-CDG; CONGENITAL DISORDER OF GLYCOSYLATION, TYPE Ik; CDG Ik. Identifiers: Orphanet 79327, MedGen C2931005, MONDO:0012052, OMIM 608540.

Allele frequency attached by ClinVar (database versions not stated): ExAC 0.00001; gnomAD exomes 0.00001; TOPMed 0.00005; gnomAD 0.00006 and 0.00007; 1000 Genomes Project 0.00020; 1000 Genomes Project 30x 0.00031.
gnomAD v4.1: 22 of 1,596,424 alleles (0.0014%); highest among the groups gnomAD compares: Admixed American, 0.013%; no homozygotes.

Submissions (4):

OLLIN Analises Genomicas, OLLIN
Classification: Uncertain significance. Last evaluated: 2026-08-06. Review status: criteria provided, single submitter. Criteria: ACMG Guidelines 2015 PMID 25741868. Collection method: clinical testing. Allele origin: germline.
Comment: This synonymous variant, located in exon 10 (of 13), has been reported in ClinVar (accession VCV000717035.14) and in gnomAD with an allele frequency of 0.0014%. However, to our knowledge, it has not been reported in the scientific literature. According to the currently available evidence, this variant has been classified as uncertain significance (PM2_P, PP3).

Labcorp Genetics (formerly Invitae), Labcorp
Classification: Likely benign for ALG1-congenital disorder of glycosylation. Last evaluated: 2025-12-03. Review status: criteria provided, single submitter. Criteria: Invitae Variant Classification Sherloc (09022015). Collection method: clinical testing. Allele origin: germline.

Fulgent Genetics
Classification: Uncertain significance for ALG1-congenital disorder of glycosylation. Last evaluated: 2024-04-23. Review status: criteria provided, single submitter. Criteria: ACMG Guidelines, 2015. Collection method: clinical testing. Allele origin: germline.

PreventionGenetics, part of Exact Sciences
Classification: Likely benign for ALG1-related condition. Last evaluated: 2020-04-20. Review status: no assertion criteria provided. Collection method: clinical testing. Allele origin: germline. Not counted in ClinVar's aggregate classification.
Comment: This variant is classified as likely benign based on ACMG/AMP sequence variant interpretation guidelines (Richards et al. 2015 PMID: 25741868, with internal and published modifications).